The following is an entry in ClinVar:

ClinVar aggregate classification (germline): Pathogenic (1 of 4 stars; one submission).

Conditions:
Cornelia de Lange syndrome 1 (CDLS1). Also called: Brachmann de Lange syndrome; TYPUS DEGENERATIVUS AMSTELODAMENSIS; NIPBL-Related Cornelia de Lange Syndrome. Identifiers: Orphanet 199, MedGen C4551851, MONDO:0007387, OMIM 122470.

Submission:

Labcorp Genetics (formerly Invitae), Labcorp
Classification: Pathogenic for Cornelia de Lange syndrome 1. Last evaluated: 2016-12-08. Review status: criteria provided, single submitter. Criteria: Invitae Variant Classification Sherloc (09022015). Collection method: clinical testing. Allele origin: germline.
Comment: This sequence change deletes 1 nucleotide from exon 9 of the NIPBL mRNA (c.1145delA), causing a frameshift at codon 382. This creates a premature translational stop signal (p.Asn382Ilefs*29) and is expected to result in an absent or disrupted protein product. While this particular variant has not been reported in the literature, loss-of-function variants in NIPBL are known to be pathogenic (PMID: 24038889). For these reasons, this variant has been classified as Pathogenic.

Literature cited by the submitters: PubMed 24038889.

NM_133433.4(NIPBL):c.1145del (p.Asn382fs)

Gene: NIPBL (NIPBL cohesin loading factor; plus strand). Cytogenetic location: 5p13.2.
Variant type: Deletion.
Coding change: c.1145del on transcript NM_133433.4 (MANE Select); coding-DNA position 1145, one base deleted (A; older notation c.1145delA).
Protein change: p.Asn382fs; shifts the reading frame from asparagine 382.
Molecular consequence: frameshift variant.
Genome position (GRCh38, 1-based): chr5:36,976,052, A deleted; the last of 4 consecutive A bases (chr5:36,976,049-36,976,052); deleting any one gives the same sequence. VCF-style (leftmost placement, unchanged base first): chr5-36976048-GA-G. GRCh37 (hg19) VCF-style: chr5-36976150-GA-G.
Other names: c.1145del, p.Asn382fs (NM_015384.5); short protein forms N382fs.
Identifiers: ClinVar variation 476581 (VCV000476581.2), dbSNP rs1554015145, ClinGen allele CA658657436.